The following is an entry in ClinVar:

ClinVar aggregate classification (germline): Likely pathogenic (1 of 4 stars; one submission).

Submission:

GeneDx
Classification: Likely pathogenic. Last evaluated: 2018-04-06. Review status: criteria provided, single submitter. Criteria: GeneDx Variant Classification (06012015). Collection method: clinical testing. Allele origin: germline. Affected: yes.
Comment: The H1078Y variant in the CHD7 gene has not been published as a pathogenic variant, nor has it been reported as a benign variant to our knowledge. The variant was not observed in approximately 6,100 individuals of European and African American ancestry in the NHLBI Exome Sequencing Project, indicating it is not a common benign variant in these populations. The variant is a non-conservative amino acid substitution, which is likely to impact secondary protein structure as these residues differ in polarity, charge, size and/or other properties. This substitution occurs at a position that is conserved across species, and in silico analysis predicts this variant is probably damaging to the protein structure/function. However, few pathogenic missense variants have been reported in CHARGE syndrome, as most pathogenic variants introduce a premature termination codon. Therefore, this variant is likely pathogenic; however, the possibility that it is benign cannot be excluded.

NM_017780.4(CHD7):c.3232C>T (p.His1078Tyr)

Gene: CHD7 (chromodomain helicase DNA binding protein 7; plus strand). Cytogenetic location: 8q12.2.
Variant type: single nucleotide variant.
Coding change: c.3232C>T on transcript NM_017780.4 (MANE Select); coding-DNA position 3232, C replaced by T.
Protein change: p.His1078Tyr; replaces histidine 1078 with tyrosine.
Molecular consequence: missense variant. On other transcripts: intron variant (1).
Genome position (GRCh38, 1-based): chr8:60,823,870, C>T. VCF-style: chr8-60823870-C-T. GRCh37 (hg19) VCF-style: chr8-61736429-C-T.
Other names: c.3232C>T (LRG_176t1); c.1717-38359C>T (NM_001316690.1); short protein forms H1078Y.
Identifiers: ClinVar variation 422043 (VCV000422043.2), dbSNP rs1064795519, ClinGen allele CA16618662.